The following is an entry in ClinVar:

NM_000264.5(PTCH1):c.2823C>G (p.Ile941Met)

Gene: PTCH1 (patched 1; minus strand). Cytogenetic location: 9q22.32.
Variant type: single nucleotide variant.
Coding change: c.2823C>G on transcript NM_000264.5 (MANE Select); coding-DNA position 2823, C replaced by G.
Protein change: p.Ile941Met; replaces isoleucine 941 with methionine.
Molecular consequence: missense variant. On other transcripts: non-coding transcript variant (1).
Genome position (GRCh38, 1-based): chr9:95,459,664, G>C on the plus strand (C>G on the coding strand, the complement: PTCH1 is on the minus strand). VCF-style: chr9-95459664-G-C. GRCh37 (hg19) VCF-style: chr9-98221946-G-C.
Other names: c.2625C>G, p.Ile875Met (NM_001083602.3); c.2820C>G, p.Ile940Met (NM_001083603.3); c.2370C>G, p.Ile790Met (NM_001083604.3, NM_001083605.3, NM_001083606.3 and 1 more transcripts); c.2667C>G, p.Ile889Met (NM_001354918.2); short protein forms I889M, I941M, I940M, I875M, I790M.
Identifiers: ClinVar variation 844748 (VCV000844748.13), dbSNP rs1839283096, ClinGen allele CA374113003.

ClinVar aggregate classification (germline): Uncertain significance. Review status: criteria provided, multiple submitters, no conflicts (2 of 4 stars). 2 submissions from 2 submitters: Uncertain significance (2). Last evaluated 2024-12-08.

Conditions:
Hereditary cancer-predisposing syndrome. Also called: Neoplastic Syndromes, Hereditary; Hereditary neoplastic syndrome; Tumor predisposition; Hereditary Cancer Syndrome. Identifiers: Orphanet 140162, MedGen C0027672, MeSH D009386, MONDO:0015356.
Gorlin syndrome. Also called: Nevoid Basal Cell Carcinoma Syndrome; Basal cell nevus syndrome. Identifiers: Orphanet 377, MedGen C0004779, MONDO:0007187.

Submissions (2):

Ambry Genetics
Classification: Uncertain significance for Hereditary cancer-predisposing syndrome. Last evaluated: 2024-12-08. Review status: criteria provided, single submitter. Criteria: Ambry Variant Classification Scheme 2023. Collection method: clinical testing. Allele origin: germline.
Comment: The p.I941M variant (also known as c.2823C>G), located in coding exon 17 of the PTCH1 gene, results from a C to G substitution at nucleotide position 2823. The isoleucine at codon 941 is replaced by methionine, an amino acid with highly similar properties. This amino acid position is conserved. In addition, the in silico prediction for this alteration is inconclusive. Since supporting evidence is limited at this time, the clinical significance of this alteration remains unclear.

Labcorp Genetics (formerly Invitae), Labcorp
Classification: Uncertain significance for Gorlin syndrome. Last evaluated: 2023-04-07. Review status: criteria provided, single submitter. Criteria: Invitae Variant Classification Sherloc (09022015). Collection method: clinical testing. Allele origin: germline.
Comment: This sequence change replaces isoleucine, which is neutral and non-polar, with methionine, which is neutral and non-polar, at codon 941 of the PTCH1 protein (p.Ile941Met). This variant is not present in population databases (gnomAD no frequency). This variant has not been reported in the literature in individuals affected with PTCH1-related conditions. ClinVar contains an entry for this variant (Variation ID: 844748). Advanced modeling of protein sequence and biophysical properties (such as structural, functional, and spatial information, amino acid conservation, physicochemical variation, residue mobility, and thermodynamic stability) performed at Invitae indicates that this missense variant is not expected to disrupt PTCH1 protein function. In summary, the available evidence is currently insufficient to determine the role of this variant in disease. Therefore, it has been classified as a Variant of Uncertain Significance.